The following is an entry in ClinVar:

NM_000282.4(PCCA):c.414+1G>A

Gene: PCCA (propionyl-CoA carboxylase subunit alpha; plus strand). Cytogenetic location: 13q32.3.
Variant type: single nucleotide variant.
Coding change: c.414+1G>A on transcript NM_000282.4 (MANE Select); the canonical splice donor site of the intron after coding-DNA position 414, G replaced by A.
Molecular consequence: splice donor variant.
Genome position (GRCh38, 1-based): chr13:100,155,093, G>A. VCF-style: chr13-100155093-G-A. GRCh37 (hg19) VCF-style: chr13-100807347-G-A.
Other names: c.414+1G>A (NM_001178004.2, NM_001352605.2, NM_001352606.2 and 1 more transcripts); c.-453+1G>A (NM_001352610.2, NM_001352611.2, NM_001352612.2); c.336+1G>A (NM_001127692.3, NM_001352607.2, NM_001352608.2).
Identifiers: ClinVar variation 4809939 (VCV004809939.1).

ClinVar aggregate classification (germline): Likely pathogenic (1 of 4 stars; one submission).

Conditions:
Propionic acidemia (PROP). Also called: GLYCINEMIA, KETOTIC; HYPERGLYCINEMIA WITH KETOACIDOSIS AND LEUKOPENIA; KETOTIC HYPERGLYCINEMIA. Identifiers: Orphanet 35, MedGen C0268579, MONDO:0011628, OMIM 606054, HP:0003571.

Submission:

Labcorp Genetics (formerly Invitae), Labcorp
Classification: Likely pathogenic for Propionic acidemia. Last evaluated: 2025-08-01. Review status: criteria provided, single submitter. Criteria: Invitae Variant Classification Sherloc (09022015). Collection method: clinical testing. Allele origin: germline.
Comment: This sequence change affects a donor splice site in intron 5 of the PCCA gene. It is expected to disrupt RNA splicing. Variants that disrupt the donor or acceptor splice site typically lead to a loss of protein function (PMID: 16199547), and loss-of-function variants in PCCA are known to be pathogenic (PMID: 15464417). This variant is not present in population databases (gnomAD no frequency). This variant has not been reported in the literature in individuals affected with PCCA-related conditions. Algorithms developed to predict the effect of sequence changes on RNA splicing suggest that this variant may disrupt the consensus splice site. In summary, the currently available evidence indicates that the variant is pathogenic, but additional data are needed to prove that conclusively. Therefore, this variant has been classified as Likely Pathogenic.

Literature cited by the submitters: PubMed 16199547; PubMed 15464417.